The following is an entry in ClinVar:

ClinVar aggregate classification (germline): Uncertain significance (1 of 4 stars; one submission).

Conditions:
Familial cancer of breast. Also called: hereditary breast carcinoma; BREAST CANCER, FAMILIAL; Hereditary breast cancer. Identifiers: Orphanet 227535, MedGen C0346153, MONDO:0016419, OMIM 114480. Disease mechanism: loss of function.

Allele frequency attached by ClinVar (database versions not stated): gnomAD exomes below 0.00001.
gnomAD v4.1: 1 of 1,612,890 alleles (0.000062%); highest among the groups gnomAD compares: South Asian, 0.0011%; no homozygotes.

Submission:

Labcorp Genetics (formerly Invitae), Labcorp
Classification: Uncertain significance for Familial cancer of breast. Last evaluated: 2022-04-29. Review status: criteria provided, single submitter. Criteria: Invitae Variant Classification Sherloc (09022015). Collection method: clinical testing. Allele origin: germline.
Comment: In summary, the available evidence is currently insufficient to determine the role of this variant in disease. Therefore, it has been classified as a Variant of Uncertain Significance. Algorithms developed to predict the effect of missense changes on protein structure and function output the following: SIFT: "Tolerated"; PolyPhen-2: "Benign"; Align-GVGD: "Class C0". The isoleucine amino acid residue is found in multiple mammalian species, which suggests that this missense change does not adversely affect protein function. ClinVar contains an entry for this variant (Variation ID: 836848). This variant has not been reported in the literature in individuals affected with BARD1-related conditions. This variant is not present in population databases (gnomAD no frequency). This sequence change replaces valine, which is neutral and non-polar, with isoleucine, which is neutral and non-polar, at codon 183 of the BARD1 protein (p.Val183Ile).

NM_000465.4(BARD1):c.547G>A (p.Val183Ile)

Gene: BARD1 (BRCA1 associated RING domain 1; minus strand). Cytogenetic location: 2q35.
Variant type: single nucleotide variant.
Coding change: c.547G>A on transcript NM_000465.4 (MANE Select); coding-DNA position 547, G replaced by A.
Protein change: p.Val183Ile; replaces valine 183 with isoleucine.
Molecular consequence: missense variant. On other transcripts: non-coding transcript variant (2), intron variant (3).
Genome position (GRCh38, 1-based): chr2:214,781,327, C>T on the plus strand (G>A on the coding strand, the complement: BARD1 is on the minus strand). VCF-style: chr2-214781327-C-T. GRCh37 (hg19) VCF-style: chr2-215646051-C-T.
Other names: c.490G>A, p.Val164Ile (NM_001282543.2); c.158+28085G>A (NM_001282548.2); c.215+15734G>A (NM_001282545.2); c.364+10970G>A (NM_001282549.2); short protein forms V183I, V164I.
Identifiers: ClinVar variation 836848 (VCV000836848.10), dbSNP rs1695018814, ClinGen allele CA350457412.
Genomic context (GRCh38, chr2:214,781,327, plus strand): 5'-CAGATCTTGCAGAAGCCTTTTTAGCCCTCTCAGAAACATCTGCAGGAGGACTTGGGGAAA[C>T]AAATTCATATGAGTCTTGCTGAGCACTTGCATCTTTTTTTATTGCAGGCTGGGTTTGCAC-3'
Protein context (NP_000456.2, residues 173-193): ASAQQDSYEF[Val183Ile]SPSPPADVSE